The following is an entry in ClinVar:

NM_213599.3(ANO5):c.842C>A (p.Ser281Tyr)

Gene: ANO5 (anoctamin 5; plus strand). Cytogenetic location: 11p14.3.
Variant type: single nucleotide variant.
Coding change: c.842C>A on transcript NM_213599.3 (MANE Select); coding-DNA position 842, C replaced by A.
Protein change: p.Ser281Tyr; replaces serine 281 with tyrosine.
Molecular consequence: missense variant.
Genome position (GRCh38, 1-based): chr11:22,239,648, C>A. VCF-style: chr11-22239648-C-A. GRCh37 (hg19) VCF-style: chr11-22261194-C-A.
Other names: c.839C>A, p.Ser280Tyr (NM_001142649.2); short protein forms S280Y, S281Y.
Identifiers: ClinVar variation 644810 (VCV000644810.11), dbSNP rs1590266478, ClinGen allele CA379920537.

ClinVar aggregate classification (germline): Uncertain significance. Review status: criteria provided, multiple submitters, no conflicts (2 of 4 stars). 2 submissions from 2 submitters: Uncertain significance (2). Last evaluated 2022-10-17.

Conditions:
Autosomal recessive limb-girdle muscular dystrophy type 2L (LGMDR12). Also called: Limb-girdle muscular dystrophy, type 2L; MUSCULAR DYSTROPHY, LIMB-GIRDLE, AUTOSOMAL RECESSIVE 12; Limb-Girdle Muscular Dystrophy R12 Anoctamin-5-Related (LGMD-R12). Identifiers: Orphanet 206549, MedGen C1969785, MONDO:0012652, OMIM 611307.
Gnathodiaphyseal dysplasia (GDD). Also called: GNATHODIAPHYSEAL SCLEROSIS; OSTEOGENESIS IMPERFECTA WITH UNUSUAL SKELETAL LESIONS. Identifiers: Orphanet 53697, MedGen C1833736, MONDO:0008151, OMIM 166260.

Submissions (2):

Labcorp Genetics (formerly Invitae), Labcorp
Classification: Uncertain significance for Autosomal recessive limb-girdle muscular dystrophy type 2L; Gnathodiaphyseal dysplasia. Last evaluated: 2022-10-17. Review status: criteria provided, single submitter. Criteria: Invitae Variant Classification Sherloc (09022015). Collection method: clinical testing. Allele origin: germline.
Comment: In summary, the available evidence is currently insufficient to determine the role of this variant in disease. Therefore, it has been classified as a Variant of Uncertain Significance. Advanced modeling of protein sequence and biophysical properties (such as structural, functional, and spatial information, amino acid conservation, physicochemical variation, residue mobility, and thermodynamic stability) has been performed at Invitae for this missense variant, however the output from this modeling did not meet the statistical confidence thresholds required to predict the impact of this variant on ANO5 protein function. ClinVar contains an entry for this variant (Variation ID: 644810). This variant has not been reported in the literature in individuals affected with ANO5-related conditions. This variant is not present in population databases (gnomAD no frequency). This sequence change replaces serine, which is neutral and polar, with tyrosine, which is neutral and polar, at codon 281 of the ANO5 protein (p.Ser281Tyr).

Revvity Omics, Revvity
Classification: Uncertain significance. Last evaluated: 2019-03-21. Review status: criteria provided, single submitter. Criteria: ACMG Guidelines, 2015. Collection method: clinical testing. Allele origin: germline.